The following is an entry in ClinVar:

ClinVar aggregate classification (germline): Pathogenic (1 of 4 stars; one submission).

Conditions:
Hereditary cancer-predisposing syndrome. Also called: Neoplastic Syndromes, Hereditary; Tumor predisposition; Hereditary Cancer Syndrome; Hereditary neoplastic syndrome. Identifiers: Orphanet 140162, MedGen C0027672, MeSH D009386, MONDO:0015356.

Submission:

Ambry Genetics
Classification: Pathogenic for Hereditary cancer-predisposing syndrome. Last evaluated: 2021-01-20. Review status: criteria provided, single submitter. Criteria: Ambry Variant Classification Scheme 2023. Collection method: clinical testing. Allele origin: germline.
Comment: The c.2144dupT pathogenic mutation, located in coding exon 14 of the PTCH1 gene, results from a duplication of T at nucleotide position 2144, causing a translational frameshift with a predicted alternate stop codon (p.S716Lfs*22). This alteration is expected to result in loss of function by premature protein truncation or nonsense-mediated mRNA decay. As such, this alteration is interpreted as a disease-causing mutation.

NM_000264.5(PTCH1):c.2144dup (p.Ser716fs)

Genes: PTCH1 (patched 1; minus strand), LOC100507346 (uncharacterized LOC100507346; plus strand). Cytogenetic location: 9q22.32.
Variant type: Duplication.
Coding change: c.2144dup on transcript NM_000264.5 (MANE Select); coding-DNA position 2144, one base duplicated (T; older notation c.2144dupT).
Protein change: p.Ser716fs; shifts the reading frame from serine 716.
Molecular consequence: frameshift variant. On other transcripts: non-coding transcript variant (2).
Genome position (GRCh38, 1-based): chr9:95,468,857, A duplicated on the plus strand (T on the coding strand, the reverse complement: PTCH1 is on the minus strand); the first of 2 consecutive A bases (chr9:95,468,857-95,468,858); duplicating either gives the same sequence. VCF-style (leftmost placement, unchanged base first): chr9-95468856-G-GA. GRCh37 (hg19) VCF-style: chr9-98231138-G-GA.
Other names: c.1946dup, p.Ser650fs (NM_001083602.3); c.2141dup, p.Ser715fs (NM_001083603.3); c.1691dup, p.Ser565fs (NM_001083604.3, NM_001083605.3, NM_001083606.3 and 1 more transcripts); c.1988dup, p.Ser664fs (NM_001354918.2); c.2144dupT (NM_000264.3); short protein forms S715fs, S650fs, S716fs, S565fs, S664fs.
Identifiers: ClinVar variation 1786631 (VCV001786631.2), dbSNP rs2118033907, ClinGen allele CA2580080843.